The following is an entry in ClinVar:

ClinVar aggregate classification (germline): Conflicting classifications of pathogenicity. Review status: criteria provided, conflicting classifications (1 of 4 stars). 5 submissions from 5 submitters: Uncertain significance (3); Likely benign (1). 1 of the submissions does not count toward it. Last evaluated 2026-01-26.

Conditions:
Nemaline myopathy 2 (NEM2). Also called: Nemaline myopathy 2, autosomal recessive. Identifiers: MedGen C1850569, MONDO:0009725, OMIM 256030.
Inborn genetic diseases. Identifiers: MedGen C0950123, MeSH D030342.

Allele frequency attached by ClinVar (database versions not stated): ExAC 0.00002; gnomAD exomes 0.00003; gnomAD 0.00008 and 0.00009; TOPMed 0.00008.
gnomAD v4.1: 58 of 1,613,814 alleles (0.0036%); highest among the groups gnomAD compares: African/African-American, 0.023%; no homozygotes.

Submissions (5):

Labcorp Genetics (formerly Invitae), Labcorp
Classification: Likely benign for Nemaline myopathy 2. Last evaluated: 2026-01-26. Review status: criteria provided, single submitter. Criteria: Invitae Variant Classification Sherloc (09022015). Collection method: clinical testing. Allele origin: germline.

Ambry Genetics
Classification: Uncertain significance for Inborn genetic diseases. Last evaluated: 2025-06-18. Review status: criteria provided, single submitter. Criteria: Ambry Variant Classification Scheme 2023. Collection method: clinical testing. Allele origin: germline.

GeneDx
Classification: Uncertain significance. Last evaluated: 2022-03-03. Review status: criteria provided, single submitter. Criteria: GeneDx Variant Classification Process June 2021. Collection method: clinical testing. Allele origin: germline. Affected: yes.
Comment: Not observed at significant frequency in large population cohorts (gnomAD); In silico analysis supports that this missense variant has a deleterious effect on protein structure/function; Has not been previously published as pathogenic or benign to our knowledge

Revvity Omics, Revvity
Classification: Uncertain significance. Last evaluated: 2020-10-27. Review status: criteria provided, single submitter. Criteria: ACMG Guidelines, 2015. Collection method: clinical testing. Allele origin: germline.

Natera, Inc.
Classification: Uncertain significance for Nemaline myopathy type 2. Last evaluated: 2020-01-24. Review status: no assertion criteria provided. Collection method: clinical testing. Allele origin: germline. Not counted in ClinVar's aggregate classification.

NM_001164508.2(NEB):c.8800C>T (p.Arg2934Cys)

Gene: NEB (nebulin; minus strand). Cytogenetic location: 2q23.3.
Variant type: single nucleotide variant.
Coding change: c.8800C>T on transcript NM_001164508.2 (MANE Select); coding-DNA position 8800, C replaced by T.
Protein change: p.Arg2934Cys; replaces arginine 2934 with cysteine.
Molecular consequence: missense variant.
Genome position (GRCh38, 1-based): chr2:151,639,946, G>A on the plus strand (C>T on the coding strand, the complement: NEB is on the minus strand). VCF-style: chr2-151639946-G-A. GRCh37 (hg19) VCF-style: chr2-152496460-G-A.
Other names: c.8800C>T, p.Arg2934Cys (NM_001164507.2, NM_001271208.2, NM_004543.5); c.8800C>T (NM_004543.4); short protein forms R2934C.
Identifiers: ClinVar variation 432035 (VCV000432035.17), dbSNP rs771598053, ClinGen allele CA1909500.